The following is an entry in ClinVar:

ClinVar aggregate classification (germline): Uncertain significance (1 of 4 stars; one submission).

Conditions:
Fanconi anemia (FA). Also called: Fanconi's anemia. Identifiers: Orphanet 84, MedGen C0015625, MeSH D005199, MONDO:0019391.

Submission:

Labcorp Genetics (formerly Invitae), Labcorp
Classification: Uncertain significance for Fanconi anemia. Last evaluated: 2021-07-03. Review status: criteria provided, single submitter. Criteria: Invitae Variant Classification Sherloc (09022015). Collection method: clinical testing. Allele origin: germline.
Comment: This sequence change replaces valine with alanine at codon 535 of the FANCD2 protein (p.Val535Ala). The valine residue is weakly conserved and there is a small physicochemical difference between valine and alanine. This variant is not present in population databases (ExAC no frequency). This variant has not been reported in the literature in individuals affected with FANCD2-related conditions. Algorithms developed to predict the effect of missense changes on protein structure and function are either unavailable or do not agree on the potential impact of this missense change (SIFT: "Deleterious"; PolyPhen-2: "Benign"; Align-GVGD: "Class C0"). In summary, the available evidence is currently insufficient to determine the role of this variant in disease. Therefore, it has been classified as a Variant of Uncertain Significance.

NM_001018115.3(FANCD2):c.1604T>C (p.Val535Ala)

Genes: FANCD2 (FA complementation group D2; plus strand), LOC107303338 (3p25 FANCD2 Alu-mediated recombination region; plus strand). Cytogenetic location: 3p25.3.
Variant type: single nucleotide variant.
Coding change: c.1604T>C on transcript NM_001018115.3 (MANE Select); coding-DNA position 1604, T replaced by C.
Protein change: p.Val535Ala; replaces valine 535 with alanine.
Molecular consequence: missense variant. On other transcripts: intron variant (1).
Genome position (GRCh38, 1-based): chr3:10,052,445, T>C. VCF-style: chr3-10052445-T-C. GRCh37 (hg19) VCF-style: chr3-10094129-T-C.
Other names: c.1604T>C, p.Val535Ala (NM_001319984.2, NM_001374254.1, NM_033084.6); c.1545+2940T>C (NM_001374253.1); short protein forms V535A.
Identifiers: ClinVar variation 1365607 (VCV001365607.8), dbSNP rs2125011965, ClinGen allele CA351740264.